The following is an entry in ClinVar:

NM_000092.5(COL4A4):c.3707G>A (p.Gly1236Glu)

Gene: COL4A4 (collagen type IV alpha 4 chain; minus strand). Cytogenetic location: 2q36.3.
Variant type: single nucleotide variant.
Coding change: c.3707G>A on transcript NM_000092.5 (MANE Select); coding-DNA position 3707, G replaced by A.
Protein change: p.Gly1236Glu; replaces glycine 1236 with glutamic acid.
Molecular consequence: missense variant.
Genome position (GRCh38, 1-based): chr2:227,032,055, C>T on the plus strand (G>A on the coding strand, the complement: COL4A4 is on the minus strand). VCF-style: chr2-227032055-C-T. GRCh37 (hg19) VCF-style: chr2-227896771-C-T.
Other names: short protein forms G1236E.
Identifiers: ClinVar variation 5003452 (VCV005003452.1).

ClinVar aggregate classification (germline): Pathogenic (1 of 4 stars; one submission).

Conditions:
Alport syndrome. Also called: Hemorrhagic familial nephritis; Hemorrhagic hereditary nephritis; Congenital hereditary hematuria. Identifiers: Orphanet 63, MedGen C1567741, MONDO:0018965.

gnomAD v4.1: 1 of 1,613,942 alleles (0.000062%); highest among the groups gnomAD compares: Non-Finnish European, 0.000085%; no homozygotes.

Submission:

Myriad Genetics, Inc.
Classification: Pathogenic for Alport syndrome. Last evaluated: 2026-01-26. Review status: criteria provided, single submitter. Criteria: Myriad Autosomal Dominant, Autosomal Recessive and X-Linked Classification Criteria (2023). Collection method: clinical testing. Allele origin: unknown.
Comment: NM_000092.4(COL4A4):c.3707G>A(G1236E) is a missense variant classified as pathogenic in the context of Alport syndrome, COL4A4-related. G1236E has been observed in cases with relevant disease (PMID: 36844206, 39278986, 36100708). Relevant functional assessments of this variant are not available in the literature. Internal structural analysis of the variant is supportive of pathogenicity. G1236E has not been observed in referenced population frequency databases. In summary, NM_000092.4(COL4A4):c.3707G>A(G1236E) is a missense variant that has internal structural support for pathogenicity and has been observed more frequently in cases with the relevant disease than in healthy populations. Please note: this variant was assessed in the context of healthy population screening.

Literature cited by the submitters: PubMed 36100708; PubMed 36844206; PubMed 39278986.